The following is an entry in ClinVar:

NM_001267550.2(TTN):c.60490G>C (p.Val20164Leu)

Genes: TTN (titin; minus strand), TTN-AS1 (TTN antisense RNA 1; plus strand). Cytogenetic location: 2q31.2.
Variant type: single nucleotide variant.
Coding change: c.60490G>C on transcript NM_001267550.2 (MANE Select); coding-DNA position 60490, G replaced by C.
Protein change: p.Val20164Leu; replaces valine 20164 with leucine.
Molecular consequence: missense variant. On other transcripts: non-coding transcript variant (1).
Genome position (GRCh38, 1-based): chr2:178,591,235, C>G on the plus strand (G>C on the coding strand, the complement: TTN is on the minus strand). VCF-style: chr2-178591235-C-G. GRCh37 (hg19) VCF-style: chr2-179455962-C-G.
Other names: p.V18523L:GTA>CTA; p.Val18523Leu; c.55567G>C, p.Val18523Leu (NM_001256850.1); c.33295G>C, p.Val11099Leu (NM_003319.4); c.52786G>C, p.Val17596Leu (NM_133378.4); c.33670G>C, p.Val11224Leu (NM_133432.3); c.33871G>C, p.Val11291Leu (NM_133437.4); short protein forms V20164L, V17596L, V18523L, V11099L, V11224L, V11291L.
Identifiers: ClinVar variation 47162 (VCV000047162.58), dbSNP rs72646843, ClinGen allele CA283531.

ClinVar aggregate classification (germline): Benign/Likely benign. Review status: criteria provided, multiple submitters, no conflicts (2 of 4 stars). 21 submissions from 18 submitters: Benign (13); Likely benign (6). 2 of the submissions do not count toward it. Last evaluated 2026-07-01.

Conditions:
Dilated cardiomyopathy 1G (CMD1G). Identifiers: Orphanet 154, MedGen C1858763, MONDO:0011400, OMIM 604145.
Autosomal recessive limb-girdle muscular dystrophy type 2J (LGMDR10). Also called: MUSCULAR DYSTROPHY, LIMB-GIRDLE, AUTOSOMAL RECESSIVE 10; Limb-girdle muscular dystrophy, type 2J. Identifiers: Orphanet 140922, MedGen C1837342, MONDO:0012127, OMIM 608807.
Cardiovascular phenotype. Identifiers: MedGen CN230736.
Early-onset myopathy with fatal cardiomyopathy (CMYO5). Also called: CONGENITAL MYOPATHY 5 WITH CARDIOMYOPATHY; Salih Myopathy. Identifiers: Orphanet 289377, MedGen C2673677, MONDO:0012714, OMIM 611705. Disease mechanism: loss of function.
Hypertrophic cardiomyopathy 9. Also called: Familial hypertrophic cardiomyopathy 9. Identifiers: MedGen C1861065, MONDO:0013412, OMIM 613765.
Tibial muscular dystrophy (TMD). Also called: Udd Distal Myopathy – Tibial Muscular Dystrophy; Tibial muscular dystrophy, tardive; UDD MYOPATHY. Identifiers: Orphanet 609, MedGen C1838244, MONDO:0010870, OMIM 600334.
Myopathy, myofibrillar, 9, with early respiratory failure (MFM9). Also called: Myopathy, distal, with early respiratory failure, autosomal dominant; Hereditary myopathy with early respiratory failure; MYOPATHY, PROXIMAL, WITH EARLY RESPIRATORY MUSCLE INVOLVEMENT; EDSTROM MYOPATHY. Identifiers: Orphanet 178464, Orphanet 34521, MedGen C1863599, MONDO:0011362, OMIM 603689.
Cardiomyopathy (CMYO). Also called: Cardiomyopathies. Identifiers: Orphanet 167848, MedGen C0878544, MONDO:0004994, HP:0001638. Inheritance: Various modes of inheritance.
Primary dilated cardiomyopathy (DCM). Also called: Dilated Cardiomyopathy. Identifiers: Orphanet 217604, MedGen C0007193, MeSH D002311, MONDO:0005021, HP:0001644. Inheritance: Various modes of inheritance.

Allele frequency attached by ClinVar (database versions not stated): TOPMed 0.00413; ESP Exome Variant Server 0.00447; 1000 Genomes Project 0.00479; 1000 Genomes Project 30x 0.00500.
gnomAD v4.1: 1,152 of 1,613,302 alleles (0.071%); highest among the groups gnomAD compares: African/African-American, 1.4%; 10 homozygotes.

Submissions (21):

CeGaT Center for Human Genetics Tuebingen
Classification: Likely benign. Last evaluated: 2026-07-01. Review status: criteria provided, single submitter. Criteria: CeGaT Center For Human Genetics Tuebingen Variant Classification Criteria Version 2. Collection method: clinical testing. Allele origin: germline. Affected: yes. Observed: 3 variant alleles.
Comment: TTN: BP4, BS1

Labcorp Genetics (formerly Invitae), Labcorp
Classification: Benign for Dilated cardiomyopathy 1G; Autosomal recessive limb-girdle muscular dystrophy type 2J. Last evaluated: 2026-01-31. Review status: criteria provided, single submitter. Criteria: Invitae Variant Classification Sherloc (09022015). Collection method: clinical testing. Allele origin: germline.

ARUP Laboratories, Molecular Genetics and Genomics, ARUP Laboratories
Classification: Benign. Last evaluated: 2025-05-14. Review status: criteria provided, single submitter. Criteria: ARUP Molecular Germline Variant Investigation Process 2024. Collection method: clinical testing. Allele origin: germline.

Molecular Diagnostic Laboratory for Inherited Cardiovascular Disease, Montreal Heart Institute
Classification: Likely benign. Last evaluated: 2025-04-09. Review status: criteria provided, single submitter. Criteria: ACMG Guidelines, 2015. Collection method: clinical testing. Allele origin: germline. Affected: no.

Mayo Clinic Laboratories, Mayo Clinic
Classification: Benign. Last evaluated: 2025-02-26. Review status: criteria provided, single submitter. Criteria: ACMG Guidelines, 2015. Collection method: clinical testing. Allele origin: germline. Observed: 6 variant alleles.
Comment: BS1, BS2, BP4

Fulgent Genetics
Classification: Likely benign for Tibial muscular dystrophy; Myopathy, myofibrillar, 9, with early respiratory failure; Dilated cardiomyopathy 1G; Autosomal recessive limb-girdle muscular dystrophy type 2J; Early-onset myopathy with fatal cardiomyopathy; Hypertrophic cardiomyopathy 9. Last evaluated: 2022-02-16. Review status: criteria provided, single submitter. Criteria: ACMG Guidelines, 2015. Collection method: clinical testing. Allele origin: unknown.

Genome-Nilou Lab
Classification: Benign for Autosomal recessive limb-girdle muscular dystrophy type 2J. Last evaluated: 2021-09-10. Review status: criteria provided, single submitter. Criteria: ACMG Guidelines, 2015. Collection method: clinical testing. Allele origin: germline. Affected: no.

Genome-Nilou Lab
Classification: Benign for Myopathy, myofibrillar, 9, with early respiratory failure. Last evaluated: 2021-09-10. Review status: criteria provided, single submitter. Criteria: ACMG Guidelines, 2015. Collection method: clinical testing. Allele origin: germline. Affected: no.

Genome-Nilou Lab
Classification: Benign for Early-onset myopathy with fatal cardiomyopathy. Last evaluated: 2021-09-10. Review status: criteria provided, single submitter. Criteria: ACMG Guidelines, 2015. Collection method: clinical testing. Allele origin: germline. Affected: no.

Genome-Nilou Lab
Classification: Benign for Tibial muscular dystrophy. Last evaluated: 2021-09-10. Review status: criteria provided, single submitter. Criteria: ACMG Guidelines, 2015. Collection method: clinical testing. Allele origin: germline. Affected: no.

Women's Health and Genetics/Laboratory Corporation of America, LabCorp
Classification: Likely benign. Last evaluated: 2020-08-16. Review status: criteria provided, single submitter. Criteria: LabCorp Variant Classification Summary - May 2015. Collection method: clinical testing. Allele origin: germline.

Center for Advanced Laboratory Medicine, UC San Diego Health, University of California San Diego
Classification: Benign for Dilated cardiomyopathy. Last evaluated: 2018-02-07. Review status: criteria provided, single submitter. Criteria: ACMG Guidelines, 2015. Collection method: clinical testing. Allele origin: germline. Affected: yes. Observed: 2 variant alleles.

Athena Diagnostics
Classification: Benign. Last evaluated: 2017-10-25. Review status: criteria provided, single submitter. Criteria: Athena Diagnostics Criteria. Collection method: clinical testing. Allele origin: germline.

Ambry Genetics
Classification: Benign for Cardiovascular phenotype. Last evaluated: 2017-07-17. Review status: criteria provided, single submitter. Criteria: Ambry Variant Classification Scheme 2023. Collection method: clinical testing. Allele origin: germline.

CHEO Genetics Diagnostic Laboratory, Children's Hospital of Eastern Ontario
Classification: Likely benign for Cardiomyopathy. Last evaluated: 2016-04-07. Review status: criteria provided, single submitter. Criteria: ACMG Guidelines, 2015. Collection method: clinical testing. Allele origin: germline. Study: Canadian Open Genetics Repository.

GeneDx
Classification: Benign. Last evaluated: 2014-07-25. Review status: criteria provided, single submitter. Criteria: GeneDx Variant Classification (06012015). Collection method: clinical testing. Allele origin: germline. Affected: yes.
Comment: This variant is considered likely benign or benign based on one or more of the following criteria: it is a conservative change, it occurs at a poorly conserved position in the protein, it is predicted to be benign by multiple in silico algorithms, and/or has population frequency not consistent with disease.

Biesecker Lab/Clinical Genomics Section, National Institutes of Health
Classification: Benign. Last evaluated: 2013-06-24. Review status: criteria provided, single submitter. Criteria: Ng et al. (Circ Cardiovasc Genet. 2013). Collection method: research. Allele origin: unknown. Observed: 1 variant allele. Study: ClinSeq.
Comment: The study set was not selected for affection status in relation to any cancer. Pathogenicity categories were based on literature curation. See Pubmed ID:23861362 for details.

Medical sequencing

Laboratory for Molecular Medicine, Mass General Brigham Personalized Medicine
Classification: Benign. Last evaluated: 2012-03-19. Review status: criteria provided, single submitter. Criteria: LMM Criteria. Collection method: clinical testing. Allele origin: germline. Observed: 8 variant alleles.
Comment: p.Val17596Leu in Exon 253 of TTN: This variant is not expected to have clinical significance because it has been identified in 1.3% (40/3138) of African America n chromosomes from a broad population by the NHLBI Exome Sequencing Project (dbSNP rs72646843).

Breakthrough Genomics
Classification: Likely benign. Review status: criteria provided, single submitter. Criteria: ACMG Guidelines, 2015. Collection method: not provided. Allele origin: germline. Inheritance: Autosomal recessive inheritance. Affected: yes.

Clinical Genetics DNA and cytogenetics Diagnostics Lab, Erasmus MC, Erasmus Medical Center
Classification: Benign. Review status: no assertion criteria provided. Collection method: clinical testing. Allele origin: germline. Affected: yes. Study: VKGL Data-share Consensus. Not counted in ClinVar's aggregate classification.

Clinical Genetics, Academic Medical Center
Classification: Benign. Review status: no assertion criteria provided. Collection method: clinical testing. Allele origin: germline. Affected: yes. Study: VKGL Data-share Consensus. Not counted in ClinVar's aggregate classification.